The following is an entry in ClinVar:

NM_012434.5(SLC17A5):c.431T>G (p.Leu144Arg)

Gene: SLC17A5 (solute carrier family 17 member 5; minus strand). Cytogenetic location: 6q13.
Variant type: single nucleotide variant.
Coding change: c.431T>G on transcript NM_012434.5 (MANE Select); coding-DNA position 431, T replaced by G.
Protein change: p.Leu144Arg; replaces leucine 144 with arginine.
Molecular consequence: missense variant.
Genome position (GRCh38, 1-based): chr6:73,641,785, A>C on the plus strand (T>G on the coding strand, the complement: SLC17A5 is on the minus strand). VCF-style: chr6-73641785-A-C. GRCh37 (hg19) VCF-style: chr6-74351508-A-C.
Other names: c.200T>G, p.Leu67Arg (NM_001382629.1, NM_001382636.1); c.431T>G, p.Leu144Arg (NM_001382630.1, NM_001382632.1, NM_001382633.1 and 2 more transcripts); c.452T>G, p.Leu151Arg (NM_001382631.1); short protein forms L144R, L151R, L67R.
Identifiers: ClinVar variation 3343549 (VCV003343549.2).

ClinVar aggregate classification (germline): Uncertain significance. Review status: criteria provided, multiple submitters, no conflicts (2 of 4 stars). 2 submissions from 2 submitters: Uncertain significance (2). Last evaluated 2024-05-12.

Conditions:
Salla disease (SD). Also called: Less Severe FSASD (Salla Disease); Sialuria, Finnish type; N-acetylneuraminic acid (NANA) storage disease (NSD); Infantile sialic acid storage disorder (ISSD). Identifiers: Orphanet 309334, Orphanet 834, MedGen C1096903, MONDO:0011449, OMIM 604369.
Sialic acid storage disease, severe infantile type (ISSD). Also called: INFANTILE SIALIC ACID STORAGE DISORDER; N-ACETYLNEURAMINIC ACID STORAGE DISEASE; NANA STORAGE DISEASE; SIALURIA, INFANTILE FORM; Free sialic acid storage disease, infantile form; Infantile Sialic Acid Storage Disease. Identifiers: Orphanet 309324, Orphanet 834, MedGen C1096902, MONDO:0010027, OMIM 269920.

Submissions (2):

Fulgent Genetics
Classification: Uncertain significance for Sialic acid storage disease, severe infantile type; Salla disease. Last evaluated: 2024-05-12. Review status: criteria provided, single submitter. Criteria: ACMG Guidelines, 2015. Collection method: clinical testing. Allele origin: germline.

GeneDx
Classification: Uncertain significance. Last evaluated: 2023-05-15. Review status: criteria provided, single submitter. Criteria: GeneDx Variant Classification Process June 2021. Collection method: clinical testing. Allele origin: germline. Affected: yes.
Comment: Not observed at significant frequency in large population cohorts (gnomAD); In silico analysis supports that this missense variant has a deleterious effect on protein structure/function; Has not been previously published as pathogenic or benign to our knowledge